The following is an entry in ClinVar:

NM_004260.4(RECQL4):c.548T>A (p.Leu183Gln)

Gene: RECQL4 (RecQ like helicase 4; minus strand). Cytogenetic location: 8q24.3.
Variant type: single nucleotide variant.
Coding change: c.548T>A on transcript NM_004260.4 (MANE Select); coding-DNA position 548, T replaced by A.
Protein change: p.Leu183Gln; replaces leucine 183 with glutamine.
Molecular consequence: missense variant.
Genome position (GRCh38, 1-based): chr8:144,516,571, A>T on the plus strand (T>A on the coding strand, the complement: RECQL4 is on the minus strand). VCF-style: chr8-144516571-A-T. GRCh37 (hg19) VCF-style: chr8-145741955-A-T.
Other names: short protein forms L183Q.
Identifiers: ClinVar variation 1059522 (VCV001059522.5), dbSNP rs1347831284, ClinGen allele CA372691070.

ClinVar aggregate classification (germline): Uncertain significance (1 of 4 stars; one submission).

Conditions:
Baller-Gerold syndrome (BGS). Also called: CRANIOSYNOSTOSIS WITH RADIAL DEFECTS. Identifiers: Orphanet 1225, MedGen C0265308, MONDO:0009039, OMIM 218600.

Submission:

Labcorp Genetics (formerly Invitae), Labcorp
Classification: Uncertain significance for Baller-Gerold syndrome. Last evaluated: 2022-03-05. Review status: criteria provided, single submitter. Criteria: Invitae Variant Classification Sherloc (09022015). Collection method: clinical testing. Allele origin: germline.
Comment: This sequence change replaces leucine, which is neutral and non-polar, with glutamine, which is neutral and polar, at codon 183 of the RECQL4 protein (p.Leu183Gln). This variant is not present in population databases (gnomAD no frequency). This variant has not been reported in the literature in individuals affected with RECQL4-related conditions. ClinVar contains an entry for this variant (Variation ID: 1059522). Experimental studies and prediction algorithms are not available or were not evaluated, and the functional significance of this variant is currently unknown. In summary, the available evidence is currently insufficient to determine the role of this variant in disease. Therefore, it has been classified as a Variant of Uncertain Significance.